The following is an entry in ClinVar:

ClinVar aggregate classification (germline): Benign/Likely benign. Review status: criteria provided, multiple submitters, no conflicts (2 of 4 stars). 12 submissions from 12 submitters: Benign (6); Likely benign (4). 2 of the submissions do not count toward it. Last evaluated 2026-09-01.

Conditions:
Hereditary spastic paraplegia. Also called: Familial spastic paraparesis. Identifiers: Orphanet 685, MedGen C0037773, MONDO:0019064. Disease mechanism: loss of function.
Hereditary spastic paraplegia 39 (SPG39). Also called: Spastic Paraplegia Type 39 (SPG39); SPASTIC PARAPLEGIA 39, AUTOSOMAL RECESSIVE. Identifiers: Orphanet 139480, MedGen C2677586, MONDO:0012787, OMIM 612020.

Allele frequency attached by ClinVar (database versions not stated): 1000 Genomes Project 30x 0.00156; 1000 Genomes Project 0.00160; TOPMed 0.00441; gnomAD 0.00466 and 0.00490; gnomAD exomes 0.00505; ESP Exome Variant Server 0.00554; ExAC 0.00802.

Submissions (12):

CeGaT Center for Human Genetics Tuebingen
Classification: Likely benign. Last evaluated: 2026-09-01. Review status: criteria provided, single submitter. Criteria: CeGaT Center For Human Genetics Tuebingen Variant Classification Criteria Version 2. Collection method: clinical testing. Allele origin: germline. Affected: yes. Observed: 32 variant alleles.
Comment: PNPLA6: BP4, BS2

Labcorp Genetics (formerly Invitae), Labcorp
Classification: Benign for Hereditary spastic paraplegia 39. Last evaluated: 2026-01-27. Review status: criteria provided, single submitter. Criteria: Invitae Variant Classification Sherloc (09022015). Collection method: clinical testing. Allele origin: germline.

Mayo Clinic Laboratories, Mayo Clinic
Classification: Benign. Last evaluated: 2023-06-05. Review status: criteria provided, single submitter. Criteria: ACMG Guidelines, 2015. Collection method: clinical testing. Allele origin: germline. Observed: 15 variant alleles.
Comment: BS1, BS2, BP4

Genome Diagnostics Laboratory, The Hospital for Sick Children
Classification: Benign for Hereditary spastic paraplegia. Last evaluated: 2021-04-07. Review status: criteria provided, single submitter. Criteria: ACMG Guidelines, 2015. Collection method: clinical testing. Allele origin: germline. Affected: yes.

GeneDx
Classification: Benign. Last evaluated: 2019-08-21. Review status: criteria provided, single submitter. Criteria: GeneDx Variant Classification Process June 2021. Collection method: clinical testing. Allele origin: germline. Affected: yes.

Athena Diagnostics
Classification: Benign. Last evaluated: 2018-02-15. Review status: criteria provided, single submitter. Criteria: Athena Diagnostics Criteria. Collection method: clinical testing. Allele origin: germline.

Illumina Laboratory Services, Illumina
Classification: Likely benign for Hereditary spastic paraplegia 39. Last evaluated: 2018-01-12. Review status: criteria provided, single submitter. Criteria: ICSL Variant Classification Criteria 13 December 2019. Collection method: clinical testing. Allele origin: germline.
Comment: This variant was observed in the ICSL laboratory as part of a predisposition screen in an ostensibly healthy population. It had not been previously curated by ICSL or reported in the Human Gene Mutation Database (HGMD: prior to June 1st, 2018), and was therefore a candidate for classification through an automated scoring system. Utilizing variant allele frequency, disease prevalence and penetrance estimates, and inheritance mode, an automated score was calculated to assess if this variant is too frequent to cause the disease. Based on the score and internal cut-off values, a variant classified as likely benign is not then subjected to further curation. The score for this variant resulted in a classification of likely benign for this disease.

Center for Pediatric Genomic Medicine, Children's Mercy Hospital and Clinics
Classification: Likely benign. Last evaluated: 2016-04-12. Review status: criteria provided, single submitter. Criteria: ACMG Guidelines, 2015. Collection method: clinical testing. Allele origin: germline.
ClinVar note: Converted during submission from Likely Benign to Likely benign.

Eurofins Ntd Llc (ga)
Classification: Benign. Last evaluated: 2015-11-24. Review status: criteria provided, single submitter. Criteria: EGL Classification Definitions 2015. Collection method: clinical testing. Allele origin: germline. Observed: 1 variant allele, 1 heterozygote.

Breakthrough Genomics
Classification: Likely benign. Review status: criteria provided, single submitter. Criteria: ACMG Guidelines, 2015. Collection method: not provided. Allele origin: germline. Inheritance: Autosomal recessive inheritance. Affected: yes.

Clinical Genetics DNA and cytogenetics Diagnostics Lab, Erasmus MC, Erasmus Medical Center
Classification: Benign. Review status: no assertion criteria provided. Collection method: clinical testing. Allele origin: germline. Affected: yes. Study: VKGL Data-share Consensus. Not counted in ClinVar's aggregate classification.

Clinical Genetics, Academic Medical Center
Classification: Benign. Review status: no assertion criteria provided. Collection method: clinical testing. Allele origin: germline. Affected: yes. Study: VKGL Data-share Consensus. Not counted in ClinVar's aggregate classification.

NM_001166114.2(PNPLA6):c.4078G>A (p.Gly1360Ser)

Gene: PNPLA6 (patatin like domain 6, lysophospholipase; plus strand). Cytogenetic location: 19p13.2.
Variant type: single nucleotide variant.
Coding change: c.4078G>A on transcript NM_001166114.2 (MANE Select); coding-DNA position 4078, G replaced by A.
Protein change: p.Gly1360Ser; replaces glycine 1360 with serine.
Molecular consequence: missense variant.
Genome position (GRCh38, 1-based): chr19:7,561,542, G>A. VCF-style: chr19-7561542-G-A. GRCh37 (hg19) VCF-style: chr19-7626428-G-A.
Other names: p.Gly1322Ser; c.4108G>A, p.Gly1370Ser (NM_001166111.2); c.3883G>A, p.Gly1295Ser (NM_001166112.2); c.3964G>A, p.Gly1322Ser (NM_001166113.1, NM_006702.5); short protein forms G1322S, G1370S, G1295S, G1360S.
Identifiers: ClinVar variation 235634 (VCV000235634.67), dbSNP rs145178162, ClinGen allele CA9140705.